The following is an entry in ClinVar:

NM_000426.4(LAMA2):c.5726+173T>C

Gene: LAMA2 (laminin subunit alpha 2; plus strand). Cytogenetic location: 6q22.33.
Variant type: single nucleotide variant.
Coding change: c.5726+173T>C on transcript NM_000426.4 (MANE Select); 173 bases into the intron after coding-DNA position 5726, T replaced by C.
Molecular consequence: intron variant.
Genome position (GRCh38, 1-based): chr6:129,402,660, T>C. VCF-style: chr6-129402660-T-C. GRCh37 (hg19) VCF-style: chr6-129723805-T-C.
Other names: c.5726+173T>C (NM_001079823.2).
Identifiers: ClinVar variation 682923 (VCV000682923.1), dbSNP rs3749880, ClinGen allele CA15441136.

ClinVar aggregate classification (germline): Benign (1 of 4 stars; one submission).

Allele frequency attached by ClinVar (database versions not stated): gnomAD 0.50626 and 0.50666; TOPMed 0.51257; 1000 Genomes Project 30x 0.54138; 1000 Genomes Project 0.54253.
gnomAD v4.1: 76,983 of 152,056 alleles (51%); highest among the groups gnomAD compares: African/African-American, 62%; 19,980 homozygotes.

Submission:

GeneDx
Classification: Benign. Last evaluated: 2018-06-18. Review status: criteria provided, single submitter. Criteria: GeneDx Variant Classification (06012015). Collection method: clinical testing. Allele origin: germline. Affected: yes.
Comment: This variant is considered likely benign or benign based on one or more of the following criteria: it is a conservative change, it occurs at a poorly conserved position in the protein, it is predicted to be benign by multiple in silico algorithms, and/or has population frequency not consistent with disease.